The following is an entry in ClinVar:

NM_000143.4(FH):c.437G>A (p.Gly146Glu)

Gene: FH (fumarate hydratase; minus strand). Cytogenetic location: 1q43.
Variant type: single nucleotide variant.
Coding change: c.437G>A on transcript NM_000143.4 (MANE Select); coding-DNA position 437, G replaced by A.
Protein change: p.Gly146Glu; replaces glycine 146 with glutamic acid.
Molecular consequence: missense variant.
Genome position (GRCh38, 1-based): chr1:241,512,085, C>T on the plus strand (G>A on the coding strand, the complement: FH is on the minus strand). VCF-style: chr1-241512085-C-T. GRCh37 (hg19) VCF-style: chr1-241675385-C-T.
Other names: short protein forms G146E.
Identifiers: ClinVar variation 186519 (VCV000186519.19), dbSNP rs11545654, ClinGen allele CA195071.
Genomic context (GRCh38, chr1:241,512,085, plus strand): 5'-CCTAACATTTCAATTGCTCTATTGCTAATGACTTCATTTACATTCATATTTGTCTGAGTT[C>T]CTGATCCAGTCTGCCATACCACGAGAGGAAAATGATCATTTAATTTACCTTCAGCTACCT-3'
Protein context (NP_000134.2, residues 136-156): FPLVVWQTGS[Gly146Glu]TQTNMNVNEV

ClinVar aggregate classification (germline): Conflicting classifications of pathogenicity. Review status: criteria provided, conflicting classifications (1 of 4 stars). 3 submissions from 3 submitters: Pathogenic (1); Likely pathogenic (1); Uncertain significance (1). Last evaluated 2025-10-15.

Conditions:
Hereditary cancer-predisposing syndrome. Also called: Neoplastic Syndromes, Hereditary; Tumor predisposition; Hereditary Cancer Syndrome; Hereditary neoplastic syndrome. Identifiers: Orphanet 140162, MedGen C0027672, MeSH D009386, MONDO:0015356.

Submissions (3):

Ambry Genetics
Classification: Likely pathogenic for Hereditary cancer-predisposing syndrome. Last evaluated: 2025-10-15. Review status: criteria provided, single submitter. Criteria: Ambry Variant Classification Scheme 2023. Collection method: clinical testing. Allele origin: germline.
Comment: The p.G146E variant (also known as c.437G>A), located in coding exon 4 of the FH gene, results from a G to A substitution at nucleotide position 437. The glycine at codon 146 is replaced by glutamic acid, an amino acid with similar properties. This variant was reported in individual(s) with features consistent with FH-related tumor predisposition (Ambry internal data). This amino acid position is highly conserved in available vertebrate species. In addition, this alteration is predicted to be deleterious by in silico analysis. Based on internal structural analysis, this variant is likely to have a destabilizing effect on, and thus affect the substrate binding site (Ambry internal data; Phan I et al. Acta Crystallogr. Sect. F Struct. Biol. Cryst, 2011 Sep;67:1123-8; Weaver T et al. J. Mol. Biol., 1998 Jul;280:431-42). Based on the majority of available evidence to date, this variant is likely to be pathogenic.

Labcorp Genetics (formerly Invitae), Labcorp
Classification: Pathogenic. Last evaluated: 2025-04-10. Review status: criteria provided, single submitter. Criteria: Invitae Variant Classification Sherloc (09022015). Collection method: clinical testing. Allele origin: germline.
Comment: This sequence change replaces glycine, which is neutral and non-polar, with glutamic acid, which is acidic and polar, at codon 146 of the FH protein (p.Gly146Glu). This variant is not present in population databases (gnomAD no frequency). This missense change has been observed in individuals with hereditary leiomyomatosis and renal cell cancer (internal data). ClinVar contains an entry for this variant (Variation ID: 186519). Invitae Evidence Modeling of protein sequence and biophysical properties (such as structural, functional, and spatial information, amino acid conservation, physicochemical variation, residue mobility, and thermodynamic stability) indicates that this missense variant is expected to disrupt FH protein function with a positive predictive value of 95%. For these reasons, this variant has been classified as Pathogenic.

Eurofins Ntd Llc (ga)
Classification: Uncertain significance. Last evaluated: 2016-01-11. Review status: criteria provided, single submitter. Criteria: EGL Classification Definitions 2015. Collection method: clinical testing. Allele origin: germline. Observed: 1 variant allele, 1 heterozygote.

Literature cited by the submitters: PubMed 21904061 (cited by Ambry Genetics); PubMed 9665847 (cited by Ambry Genetics).